The following is an entry in ClinVar:

NM_000342.4(SLC4A1):c.1808G>A (p.Arg603Gln)

Gene: SLC4A1 (solute carrier family 4 member 1 (Diego blood group); minus strand). Cytogenetic location: 17q21.31.
Variant type: single nucleotide variant.
Coding change: c.1808G>A on transcript NM_000342.4 (MANE Select); coding-DNA position 1808, G replaced by A.
Protein change: p.Arg603Gln; replaces arginine 603 with glutamine.
Molecular consequence: missense variant.
Genome position (GRCh38, 1-based): chr17:44,255,289, C>T on the plus strand (G>A on the coding strand, the complement: SLC4A1 is on the minus strand). VCF-style: chr17-44255289-C-T. GRCh37 (hg19) VCF-style: chr17-42332657-C-T.
Other names: short protein forms R603Q.
Identifiers: ClinVar variation 2717715 (VCV002717715.3), dbSNP rs1029692108, ClinGen allele CA290929096.

ClinVar aggregate classification (germline): Uncertain significance (1 of 4 stars; one submission).

Allele frequency attached by ClinVar (database versions not stated): TOPMed below 0.00001; gnomAD 0.00001; gnomAD exomes 0.00001.
gnomAD v4.1: 9 of 1,554,678 alleles (0.00058%); highest among the groups gnomAD compares: African/African-American, 0.0027%; no homozygotes.

Submission:

Labcorp Genetics (formerly Invitae), Labcorp
Classification: Uncertain significance. Last evaluated: 2022-11-10. Review status: criteria provided, single submitter. Criteria: Invitae Variant Classification Sherloc (09022015). Collection method: clinical testing. Allele origin: germline.
Comment: This variant is not present in population databases (gnomAD no frequency). This variant has not been reported in the literature in individuals affected with SLC4A1-related conditions. Advanced modeling of protein sequence and biophysical properties (such as structural, functional, and spatial information, amino acid conservation, physicochemical variation, residue mobility, and thermodynamic stability) performed at Invitae indicates that this missense variant is not expected to disrupt SLC4A1 protein function. In summary, the available evidence is currently insufficient to determine the role of this variant in disease. Therefore, it has been classified as a Variant of Uncertain Significance. This sequence change replaces arginine, which is basic and polar, with glutamine, which is neutral and polar, at codon 603 of the SLC4A1 protein (p.Arg603Gln).